The following is an entry in ClinVar:

NM_003242.6(TGFBR2):c.1524+11_1524+14del

Gene: TGFBR2 (transforming growth factor beta receptor 2; plus strand). Cytogenetic location: 3p24.1.
Variant type: Microsatellite.
Coding change: c.1524+11_1524+14del on transcript NM_003242.6 (MANE Select); bases 11 to 14 of the intron after coding-DNA position 1524, 4 bases deleted (AGTG; older notation c.1524+11_1524+14delAGTG).
Molecular consequence: intron variant.
Genome position (GRCh38, 1-based): chr3:30,688,522-30,688,525, AGTG deleted; deleting any 4 consecutive bases within chr3:30,688,517-30,688,525 gives the same sequence; the c. name uses the placement nearest the transcript's 3' end. VCF-style (leftmost placement, unchanged base first): chr3-30688516-GGAGT-G. GRCh37 (hg19) VCF-style: chr3-30730008-GGAGT-G.
Other names: c.1527+11_1527+14del (NM_001407129.1); c.1419+11_1419+14del (NM_001407132.1, NM_001407136.1, NM_001407133.1 and 2 more transcripts); c.1707+11_1707+14del (NM_001407126.1); c.1599+11_1599+14del (NM_001024847.3); c.654+11_654+14del (NM_001407139.1); c.1239+11_1239+14del (NM_001407137.1); c.1632+11_1632+14del (NM_001407127.1); c.1521+11_1521+14del (NM_001407130.1); and 2 more.
Identifiers: ClinVar variation 2139447 (VCV002139447.5), dbSNP rs2470596468, ClinGen allele CA2577536245.

ClinVar aggregate classification (germline): Conflicting classifications of pathogenicity. Review status: criteria provided, conflicting classifications (1 of 4 stars). 2 submissions from 2 submitters: Uncertain significance (1); Likely benign (1). Last evaluated 2025-04-28.

Conditions:
Familial thoracic aortic aneurysm and aortic dissection (TAAD). Also called: Thoracic aortic aneurysms and dissections. Identifiers: Orphanet 91387, MedGen C4707243, MONDO:0019625.
Loeys-Dietz syndrome 2 (LDS2). Also called: Marfan Syndrome type 2; Marfan like connective tissue disorder; MFS 2; TGFBR2-Related Loeys-Dietz Syndrome; AORTIC ANEURYSM, FAMILIAL THORACIC 3; MARFAN SYNDROME, TYPE II. Identifiers: Orphanet 284973, Orphanet 558, MedGen C2674574, MONDO:0012427, OMIM 610168.

Submissions (2):

Labcorp Genetics (formerly Invitae), Labcorp
Classification: Likely benign for Familial thoracic aortic aneurysm and aortic dissection. Last evaluated: 2025-04-28. Review status: criteria provided, single submitter. Criteria: Invitae Variant Classification Sherloc (09022015). Collection method: clinical testing. Allele origin: germline.

All of Us Research Program, National Institutes of Health
Classification: Uncertain significance for Loeys-Dietz syndrome 2. Last evaluated: 2023-06-26. Review status: criteria provided, single submitter. Criteria: ACMG Guidelines, 2015. Collection method: clinical testing. Allele origin: germline. Inheritance: Autosomal dominant inheritance. Observed: 1 variant allele, 1 heterozygote.
Comment: This variant causes deletion of four nucleotides in intron 6 of the TGFBR2 gene. To our knowledge, functional studies have not been reported for this variant. This variant has not been reported in individuals affected with TGFBR2-related disorders in the literature. This variant has not been identified in the general population by the Genome Aggregation Database (gnomAD). The available evidence is insufficient to determine the role of this variant in disease conclusively. Therefore, this variant is classified as a Variant of Uncertain Significance.

This study involves interpretation of variants in research participants for the purpose of population health screening. Participant phenotype was not available at the time of variant classification. Additional details can be found in publication PMID: 35346344, PMCID: PMC8962531